The following is an entry in ClinVar:

NM_015922.3(NSDHL):c.214G>A (p.Gly72Arg)

Gene: NSDHL (NAD(P) dependent 3-beta-hydroxysteroid dehydrogenase NSDHL; plus strand). Cytogenetic location: Xq28.
Variant type: single nucleotide variant.
Coding change: c.214G>A on transcript NM_015922.3 (MANE Select); coding-DNA position 214, G replaced by A.
Protein change: p.Gly72Arg; replaces glycine 72 with arginine.
Molecular consequence: missense variant.
Genome position (GRCh38, 1-based): chrX:152,850,370, G>A. VCF-style: chrX-152850370-G-A. GRCh37 (hg19) VCF-style: chrX-152018914-G-A.
Other names: c.214G>A, p.Gly72Arg (NM_001129765.2); short protein forms G72R.
Identifiers: ClinVar variation 2572966 (VCV002572966.1), dbSNP rs1933337369, ClinGen allele CA415284408.

ClinVar aggregate classification (germline): Uncertain significance (1 of 4 stars; one submission).

Allele frequency attached by ClinVar (database versions not stated): gnomAD exomes below 0.00001; TOPMed below 0.00001.
gnomAD v4.1: 2 of 1,210,700 alleles (0.00017%); highest among the groups gnomAD compares: Non-Finnish European, 0.00011%; no homozygotes.

Submission:

GeneDx
Classification: Uncertain significance. Last evaluated: 2023-01-12. Review status: criteria provided, single submitter. Criteria: GeneDx Variant Classification Process June 2021. Collection method: clinical testing. Allele origin: germline. Affected: yes.
Comment: Not observed at significant frequency in large population cohorts (gnomAD); In silico analysis supports that this missense variant does not alter protein structure/function; Has not been previously published as pathogenic or benign to our knowledge